The following is an entry in ClinVar:

ClinVar aggregate classification (germline): Uncertain significance (1 of 4 stars; one submission).

Submission:

GeneDx
Classification: Uncertain significance. Last evaluated: 2022-09-16. Review status: criteria provided, single submitter. Criteria: GeneDx Variant Classification Process June 2021. Collection method: clinical testing. Allele origin: germline. Affected: yes.
Comment: Not observed at significant frequency in large population cohorts (gnomAD); In silico analysis supports that this missense variant has a deleterious effect on protein structure/function; Has not been previously published as pathogenic or benign to our knowledge

NM_006908.5(RAC1):c.92A>T (p.Glu31Val)

Gene: RAC1 (Rac family small GTPase 1; plus strand). Cytogenetic location: 7p22.1.
Variant type: single nucleotide variant.
Coding change: c.92A>T on transcript NM_006908.5 (MANE Select); coding-DNA position 92, A replaced by T.
Protein change: p.Glu31Val; replaces glutamic acid 31 with valine.
Molecular consequence: missense variant.
Genome position (GRCh38, 1-based): chr7:6,387,268, A>T. VCF-style: chr7-6387268-A-T. GRCh37 (hg19) VCF-style: chr7-6426899-A-T.
Other names: c.92A>T, p.Glu31Val (NM_018890.4); short protein forms E31V.
Identifiers: ClinVar variation 2444529 (VCV002444529.1), dbSNP rs2534020732, ClinGen allele CA366760122.